The following is an entry in ClinVar:

NM_201599.3(ZMYM3):c.269C>T (p.Pro90Leu)

Gene: ZMYM3 (zinc finger MYM-type containing 3; minus strand). Cytogenetic location: Xq13.1.
Variant type: single nucleotide variant.
Coding change: c.269C>T on transcript NM_201599.3 (MANE Select); coding-DNA position 269, C replaced by T.
Protein change: p.Pro90Leu; replaces proline 90 with leucine.
Molecular consequence: missense variant.
Genome position (GRCh38, 1-based): chrX:71,252,987, G>A on the plus strand (C>T on the coding strand, the complement: ZMYM3 is on the minus strand). VCF-style: chrX-71252987-G-A. GRCh37 (hg19) VCF-style: chrX-70472837-G-A.
Other names: c.269C>T, p.Pro90Leu (NM_001171162.1, NM_001171163.1, NM_005096.3); short protein forms P90L.
Identifiers: ClinVar variation 5037557 (VCV005037557.1).

ClinVar aggregate classification (germline): Uncertain significance (1 of 4 stars; one submission).

Submission:

GeneDx
Classification: Uncertain significance. Last evaluated: 2026-04-22. Review status: criteria provided, single submitter. Criteria: GeneDx Variant Classification Process June 2021. Collection method: clinical testing. Allele origin: germline.
Comment: Not observed at significant frequency in large population cohorts (gnomAD); In silico analysis supports that this missense variant has a deleterious effect on protein structure/function; In silico analysis is inconclusive as to whether the variant alters gene splicing. In the absence of RNA/functional studies, the actual effect of this sequence change is unknown.; Has not been previously published as pathogenic or benign to our knowledge